The following is an entry in ClinVar:

NM_138386.3(NAF1):c.1345A>G (p.Met449Val)

Gene: NAF1 (nuclear assembly factor 1 ribonucleoprotein; minus strand). Cytogenetic location: 4q32.2.
Variant type: single nucleotide variant.
Coding change: c.1345A>G on transcript NM_138386.3 (MANE Select); coding-DNA position 1345, A replaced by G.
Protein change: p.Met449Val; replaces methionine 449 with valine.
Molecular consequence: missense variant. On other transcripts: intron variant (1).
Genome position (GRCh38, 1-based): chr4:163,129,037, T>C on the plus strand (A>G on the coding strand, the complement: NAF1 is on the minus strand). VCF-style: chr4-163129037-T-C. GRCh37 (hg19) VCF-style: chr4-164050189-T-C.
Other names: c.1034-1922A>G (NM_001128931.2); short protein forms M449V.
Identifiers: ClinVar variation 3626541 (VCV003626541.2).

ClinVar aggregate classification (germline): Uncertain significance (1 of 4 stars; one submission).

gnomAD v4.1: 3 of 1,534,618 alleles (0.0002%); highest among the groups gnomAD compares: Non-Finnish European, 0.00018%; no homozygotes.

Submission:

Labcorp Genetics (formerly Invitae), Labcorp
Classification: Uncertain significance. Last evaluated: 2024-11-21. Review status: criteria provided, single submitter. Criteria: Invitae Variant Classification Sherloc (09022015). Collection method: clinical testing. Allele origin: germline.
Comment: This sequence change replaces methionine, which is neutral and non-polar, with valine, which is neutral and non-polar, at codon 449 of the NAF1 protein (p.Met449Val). This variant is present in population databases (no rsID available, gnomAD 0.007%). This variant has not been reported in the literature in individuals affected with NAF1-related conditions. An algorithm developed to predict the effect of missense changes on protein structure and function outputs the following: PolyPhen-2: "Benign". The valine amino acid residue is found in multiple mammalian species, which suggests that this missense change does not adversely affect protein function. In summary, the available evidence is currently insufficient to determine the role of this variant in disease. Therefore, it has been classified as a Variant of Uncertain Significance.